The following is an entry in ClinVar:

NM_000934.4(SERPINF2):c.273C>T (p.Ala91=)

Gene: SERPINF2 (serpin family F member 2; plus strand). Cytogenetic location: 17p13.3.
Variant type: single nucleotide variant.
Coding change: c.273C>T on transcript NM_000934.4 (MANE Select); coding-DNA position 273, C replaced by T.
Protein change: p.Ala91=; no amino-acid change (alanine 91 retained).
Molecular consequence: synonymous variant. On other transcripts: intron variant (1).
Genome position (GRCh38, 1-based): chr17:1,745,815, C>T. VCF-style: chr17-1745815-C-T. GRCh37 (hg19) VCF-style: chr17-1649109-C-T.
Other names: c.273C>T, p.Ala91= (NM_001165920.1); c.175+410C>T (NM_001165921.2).
Identifiers: ClinVar variation 4986074 (VCV004986074.1).
Genomic context (GRCh38, chr17:1,745,815, plus strand): 5'-CAGAGACCCCACCCCAGAGCAGACCCACAGGCTGGCCCGGGCCATGATGGCCTTCACTGC[C>T]GACCTGTTCTCCCTGGTGGCTCAAACGTCCACCTGCCCCAACCTCATCCTGTCACCCCTG-3'
Protein context (NP_000925.2, residues 81-101): RLARAMMAFT[Ala91=]DLFSLVAQTS

ClinVar aggregate classification (germline): Likely benign (1 of 4 stars; one submission).

Conditions:
SERPINF2-related disorder. Also called: SERPINF2-related condition.

gnomAD v4.1: 126 of 1,614,070 alleles (0.0078%); highest among the groups gnomAD compares: South Asian, 0.078%; no homozygotes.

Submission:

PreventionGenetics, part of Exact Sciences
Classification: Likely benign for SERPINF2-related condition. Last evaluated: 2026-09-25. Review status: criteria provided, single submitter. Criteria: ACMG Guidelines, 2015. Collection method: clinical testing. Allele origin: germline.
Comment: This variant is classified as likely benign based on ACMG/AMP sequence variant interpretation guidelines (Richards et al. 2015 PMID: 25741868, with internal and published modifications).